The following is an entry in ClinVar:

ClinVar aggregate classification (germline): Uncertain significance. Review status: criteria provided, multiple submitters, no conflicts (2 of 4 stars). 2 submissions from 2 submitters: Uncertain significance (2). Last evaluated 2024-01-30.

Conditions:
Inborn genetic diseases. Identifiers: MedGen C0950123, MeSH D030342.

Allele frequency attached by ClinVar (database versions not stated): gnomAD exomes below 0.00001.
gnomAD v4.1: 1 of 1,613,702 alleles (0.000062%); highest among the groups gnomAD compares: Non-Finnish European, 0.000085%; no homozygotes.

Submissions (2):

GeneDx
Classification: Uncertain significance. Last evaluated: 2024-01-30. Review status: criteria provided, single submitter. Criteria: GeneDx Variant Classification Process June 2021. Collection method: clinical testing. Allele origin: germline. Affected: yes.
Comment: Not observed at significant frequency in large population cohorts (gnomAD); In silico analysis supports that this missense variant has a deleterious effect on protein structure/function; Has not been previously published as pathogenic or benign to our knowledge

Ambry Genetics
Classification: Uncertain significance for Inborn genetic diseases. Last evaluated: 2022-08-11. Review status: criteria provided, single submitter. Criteria: Ambry Variant Classification Scheme 2023. Collection method: clinical testing. Allele origin: germline.

NM_001394062.1(MACF1):c.1801G>C (p.Ala601Pro)

Gene: MACF1 (microtubule actin crosslinking factor 1; plus strand). Cytogenetic location: 1p34.3.
Variant type: single nucleotide variant.
Coding change: c.1801G>C on transcript NM_001394062.1 (MANE Select); coding-DNA position 1801, G replaced by C.
Protein change: p.Ala601Pro; replaces alanine 601 with proline.
Molecular consequence: missense variant.
Genome position (GRCh38, 1-based): chr1:39,291,925, G>C. VCF-style: chr1-39291925-G-C. GRCh37 (hg19) VCF-style: chr1-39757597-G-C.
Other names: c.1816G>C, p.Ala606Pro (NM_012090.5); short protein forms A606P, A601P.
Identifiers: ClinVar variation 2306455 (VCV002306455.3), dbSNP rs2521465606, ClinGen allele CA339764659.